The following is an entry in ClinVar:

ClinVar aggregate classification (germline): Benign/Likely benign. Review status: criteria provided, multiple submitters, no conflicts (2 of 4 stars). 3 submissions from 3 submitters: Benign (2); Likely benign (1). Last evaluated 2015-02-12.

Allele frequency attached by ClinVar (database versions not stated): gnomAD 0.03250 and 0.03461; TOPMed 0.03690; 1000 Genomes Project 30x 0.04357; gnomAD exomes 0.00782; ESP Exome Variant Server 0.03369; 1000 Genomes Project 0.04054.
gnomAD v4.1: 9,890 of 1,596,822 alleles (0.62%); highest among the groups gnomAD compares: African/African-American, 11%; 502 homozygotes.

Submissions (3):

Eurofins Ntd Llc (ga)
Classification: Benign. Last evaluated: 2015-02-12. Review status: criteria provided, single submitter. Criteria: EGL Classification Definitions 2015. Collection method: clinical testing. Allele origin: germline. Observed: 1 variant allele, 1 heterozygote.

GeneDx
Classification: Benign. Last evaluated: 2012-04-03. Review status: criteria provided, single submitter. Criteria: GeneDx Variant Classification (06012015). Collection method: clinical testing. Allele origin: germline. Affected: yes.
Comment: This variant is considered likely benign or benign based on one or more of the following criteria: it is a conservative change, it occurs at a poorly conserved position in the protein, it is predicted to be benign by multiple in silico algorithms, and/or has population frequency not consistent with disease.

Breakthrough Genomics
Classification: Likely benign. Review status: criteria provided, single submitter. Criteria: ACMG Guidelines, 2015. Collection method: not provided. Allele origin: germline. Inheritance: Autosomal recessive inheritance. Affected: yes.

NM_017775.3(TTC19):c.-347C>A

Genes: TTC19 (tetratricopeptide repeat domain 19; plus strand), ZSWIM7 (zinc finger SWIM-type containing 7; minus strand). Cytogenetic location: 17p12.
Variant type: single nucleotide variant.
Coding change: c.-347C>A on transcript NM_017775.3; 347 bases upstream of the start codon, C replaced by A.
Molecular consequence: intron variant (on NM_001042697.2).
Genome position (GRCh38, 1-based): chr17:15,999,502, C>A. VCF-style: chr17-15999502-C-A. GRCh37 (hg19) VCF-style: chr17-15902816-C-A.
Other names: p.T6K:ACG>AAG; c.76+17G>T (NM_001042698.2, NM_001042697.2).
Identifiers: ClinVar variation 137768 (VCV000137768.11), dbSNP rs60636875, ClinGen allele CA200548.
Genomic context (GRCh38, chr17:15,999,502, plus strand): 5'-CCTGCCTCCCGGCCCGGCGGTGCCCGGATGCCCCGCCCGCGCCCATGGCGCAGCCACACA[C>A]GACCTCGGTCCCGTACTTCGCGCGCTCTCCTGCACCGCCGCCGCCATCTCGCTCAGGAGC-3'